The following is an entry in ClinVar:

ClinVar aggregate classification (germline): Uncertain significance (1 of 4 stars; one submission).

Submission:

Labcorp Genetics (formerly Invitae), Labcorp
Classification: Uncertain significance. Last evaluated: 2023-07-22. Review status: criteria provided, single submitter. Criteria: Invitae Variant Classification Sherloc (09022015). Collection method: clinical testing. Allele origin: germline.
Comment: This sequence change replaces aspartic acid, which is acidic and polar, with alanine, which is neutral and non-polar, at codon 167 of the TIMP3 protein (p.Asp167Ala). This variant is not present in population databases (gnomAD no frequency). This variant has not been reported in the literature in individuals affected with TIMP3-related conditions. An algorithm developed to predict the effect of missense changes on protein structure and function (PolyPhen-2) suggests that this variant is likely to be disruptive. In summary, the available evidence is currently insufficient to determine the role of this variant in disease. Therefore, it has been classified as a Variant of Uncertain Significance.

NM_000362.5(TIMP3):c.500A>C (p.Asp167Ala)

Genes: SYN3 (synapsin III; minus strand), TIMP3 (TIMP metallopeptidase inhibitor 3; plus strand). Cytogenetic location: 22q12.3.
Variant type: single nucleotide variant.
Coding change: c.500A>C on transcript NM_000362.5 (MANE Select); coding-DNA position 500, A replaced by C.
Protein change: p.Asp167Ala; replaces aspartic acid 167 with alanine.
Molecular consequence: missense variant. On other transcripts: intron variant (7).
Genome position (GRCh38, 1-based): chr22:32,859,241, A>C. VCF-style: chr22-32859241-A-C. GRCh37 (hg19) VCF-style: chr22-33255228-A-C.
Other names: c.708+5674T>G (NM_001369909.1, NM_001135774.2, NM_001369910.1); c.711+5674T>G (NM_001369907.1, NM_003490.4, NM_001369908.1 and 1 more transcripts); short protein forms D167A.
Identifiers: ClinVar variation 2744334 (VCV002744334.3), dbSNP rs2545900366, ClinGen allele CA411540260.